The following is an entry in ClinVar:

NM_138927.4(SON):c.3757C>G (p.Pro1253Ala)

Gene: SON (SON DNA and RNA binding protein; plus strand). Cytogenetic location: 21q22.11.
Variant type: single nucleotide variant.
Coding change: c.3757C>G on transcript NM_138927.4 (MANE Select); coding-DNA position 3757, C replaced by G.
Protein change: p.Pro1253Ala; replaces proline 1253 with alanine.
Molecular consequence: missense variant. On other transcripts: non-coding transcript variant (1), intron variant (1).
Genome position (GRCh38, 1-based): chr21:33,552,988, C>G. VCF-style: chr21-33552988-C-G. GRCh37 (hg19) VCF-style: chr21-34925294-C-G.
Other names: c.3757C>G, p.Pro1253Ala (NM_001291411.2, NM_032195.3); c.245-4168C>G (NM_001291412.3); short protein forms P1253A.
Identifiers: ClinVar variation 3659540 (VCV003659540.2).

ClinVar aggregate classification (germline): Uncertain significance (1 of 4 stars; one submission).

gnomAD v4.1: 4 of 1,609,796 alleles (0.00025%); highest among the groups gnomAD compares: African/African-American, 0.004%; no homozygotes.

Submission:

Labcorp Genetics (formerly Invitae), Labcorp
Classification: Uncertain significance. Last evaluated: 2024-07-15. Review status: criteria provided, single submitter. Criteria: Invitae Variant Classification Sherloc (09022015). Collection method: clinical testing. Allele origin: germline.
Comment: This sequence change replaces proline, which is neutral and non-polar, with alanine, which is neutral and non-polar, at codon 1253 of the SON protein (p.Pro1253Ala). This variant is present in population databases (no rsID available, gnomAD 0.0009%). This variant has not been reported in the literature in individuals affected with SON-related conditions. An algorithm developed to predict the effect of missense changes on protein structure and function (PolyPhen-2) suggests that this variant is likely to be tolerated. In summary, the available evidence is currently insufficient to determine the role of this variant in disease. Therefore, it has been classified as a Variant of Uncertain Significance.